The following is an entry in ClinVar:

ClinVar aggregate classification (germline): Conflicting classifications of pathogenicity. Review status: criteria provided, conflicting classifications (1 of 4 stars). 2 submissions from 2 submitters: Pathogenic (1); Uncertain significance (1). Last evaluated 2023-02-18.

Submissions (2):

Uskudar University, Department of Molecular Biology and Genetics, Uskudar University
Classification: Pathogenic. Last evaluated: 2023-02-18. Review status: criteria provided, single submitter. Criteria: ACMG Guidelines, 2015. Collection method: research. Allele origin: germline. Affected: yes.

GeneDx
Classification: Uncertain significance. Last evaluated: 2022-07-01. Review status: criteria provided, single submitter. Criteria: GeneDx Variant Classification Process June 2021. Collection method: clinical testing. Allele origin: germline. Affected: yes.
Comment: Not observed at significant frequency in large population cohorts (gnomAD); In silico analysis supports that this missense variant has a deleterious effect on protein structure/function; Has not been previously published as pathogenic or benign to our knowledge.

Literature cited by the submitters: PubMed 37809401 (cited by Uskudar University, Department of Molecular Biology and Genetics, Uskudar University).

NM_001127644.2(GABRA1):c.289T>A (p.Trp97Arg)

Gene: GABRA1 (gamma-aminobutyric acid type A receptor subunit alpha1; plus strand). Cytogenetic location: 5q34.
Variant type: single nucleotide variant.
Coding change: c.289T>A on transcript NM_001127644.2 (MANE Select); coding-DNA position 289, T replaced by A.
Protein change: p.Trp97Arg; replaces tryptophan 97 with arginine.
Molecular consequence: missense variant.
Genome position (GRCh38, 1-based): chr5:161,873,150, T>A. VCF-style: chr5-161873150-T-A. GRCh37 (hg19) VCF-style: chr5-161300156-T-A.
Other names: c.289T>A, p.Trp97Arg (NM_000806.5, NM_001127643.2, NM_001127645.2 and 1 more transcripts); short protein forms W97R.
Identifiers: ClinVar variation 1810645 (VCV001810645.2), dbSNP rs2532239153, ClinGen allele CA362178733.
Genomic context (GRCh38, chr5:161,873,150, plus strand): 5'-TCTTCGTCATTTTCCAAAATTACCTAGGAATATACAATAGATGTATTTTTCCGTCAAAGC[T>A]GGAAGGATGAAAGGTTAAAATTTAAAGGACCTATGACAGTCCTCCGGTTAAATAACCTAA-3'
Protein context (NP_001121116.1, residues 87-107): YTIDVFFRQS[Trp97Arg]KDERLKFKGP